The following is an entry in ClinVar:

NM_004415.4(DSP):c.5281A>G (p.Asn1761Asp)

Gene: DSP (desmoplakin; plus strand). Cytogenetic location: 6p24.3.
Variant type: single nucleotide variant.
Coding change: c.5281A>G on transcript NM_004415.4 (MANE Select); coding-DNA position 5281, A replaced by G.
Protein change: p.Asn1761Asp; replaces asparagine 1761 with aspartic acid.
Molecular consequence: missense variant. On other transcripts: intron variant (2).
Genome position (GRCh38, 1-based): chr6:7,581,471, A>G. VCF-style: chr6-7581471-A-G. GRCh37 (hg19) VCF-style: chr6-7581704-A-G.
Other names: c.4051-1171A>G (NM_001319034.2); c.3583-1171A>G (NM_001008844.3); short protein forms N1761D.
Identifiers: ClinVar variation 4614061 (VCV004614061.4).

ClinVar aggregate classification (germline): Uncertain significance. Review status: criteria provided, multiple submitters, no conflicts (2 of 4 stars). 3 submissions from 3 submitters: Uncertain significance (3). Last evaluated 2026-09-11.

Conditions:
Cardiomyopathy (CMYO). Also called: Cardiomyopathies. Identifiers: Orphanet 167848, MedGen C0878544, MONDO:0004994, HP:0001638. Inheritance: Various modes of inheritance.
Arrhythmogenic cardiomyopathy with wooly hair and keratoderma. Also called: PALMOPLANTAR KERATODERMA WITH LEFT VENTRICULAR CARDIOMYOPATHY AND WOOLLY HAIR; Carvajal syndrome; Dilated cardiomyopathy with woolly hair and keratoderma; Arrhythmogenic cardiomyopathy with woolly hair and keratoderma. Identifiers: Orphanet 65282, MedGen C1854063, MONDO:0011581, OMIM 605676.
Arrhythmogenic right ventricular dysplasia 8 (ARVD8). Also called: Arrhythmogenic Right Ventricular Dysplasia/Cardiomyopathy 8; ARRHYTHMOGENIC RIGHT VENTRICULAR DYSPLASIA, FAMILIAL, 8; ARRHYTHMOGENIC RIGHT VENTRICULAR CARDIOMYOPATHY 8. Identifiers: MedGen C1843896, MONDO:0011831, OMIM 607450.
Cardiovascular phenotype. Identifiers: MedGen CN230736.

Submissions (3):

Ambry Genetics
Classification: Uncertain significance for Cardiovascular phenotype. Last evaluated: 2026-09-11. Review status: criteria provided, single submitter. Criteria: Ambry Variant Classification Scheme 2023. Collection method: clinical testing. Allele origin: germline.
Comment: The p.N1761D variant (also known as c.5281A>G), located in coding exon 23 of the DSP gene, results from an A to G substitution at nucleotide position 5281. The asparagine at codon 1761 is replaced by aspartic acid, an amino acid with highly similar properties. This amino acid position is conserved. In addition, this alteration is predicted to be tolerated by in silico analysis. Based on the available evidence, the clinical significance of this variant remains unclear.

Labcorp Genetics (formerly Invitae), Labcorp
Classification: Uncertain significance for Arrhythmogenic cardiomyopathy with wooly hair and keratoderma; Arrhythmogenic right ventricular dysplasia 8. Last evaluated: 2025-08-16. Review status: criteria provided, single submitter. Criteria: Invitae Variant Classification Sherloc (09022015). Collection method: clinical testing. Allele origin: germline.
Comment: This sequence change replaces asparagine, which is neutral and polar, with aspartic acid, which is acidic and polar, at codon 1761 of the DSP protein (p.Asn1761Asp). This variant is not present in population databases (gnomAD no frequency). This variant has not been reported in the literature in individuals affected with DSP-related conditions. An algorithm developed to predict the effect of missense changes on protein structure and function (PolyPhen-2) suggests that this variant is likely to be tolerated. In summary, the available evidence is currently insufficient to determine the role of this variant in disease. Therefore, it has been classified as a Variant of Uncertain Significance.

Color Diagnostics, LLC DBA Color Health
Classification: Uncertain significance for Cardiomyopathy. Last evaluated: 2025-07-14. Review status: criteria provided, single submitter. Criteria: ACMG Guidelines, 2015. Collection method: clinical testing. Allele origin: germline.
Comment: This missense variant replaces asparagine with aspartic acid at codon 1761 of the DSP protein. Computational prediction suggests that this variant may not impact protein structure and function. To our knowledge, functional studies have not been reported for this variant. This variant has not been reported in individuals affected with DSP-related disorders in the literature. This variant has not been identified in the general population by the Genome Aggregation Database (gnomAD). The available evidence is insufficient to determine the role of this variant in disease conclusively. Therefore, this variant is classified as a Variant of Uncertain Significance.